The following is an entry in ClinVar:

ClinVar aggregate classification (germline): Benign/Likely benign. Review status: criteria provided, multiple submitters, no conflicts (2 of 4 stars). 4 submissions from 4 submitters: Benign (1); Likely benign (3). Last evaluated 2024-09-18.

Conditions:
Classic or attenuated familial adenomatous polyposis. Identifiers: MedGen CN372698, MONDO:0021057.
Hereditary cancer-predisposing syndrome. Also called: Neoplastic Syndromes, Hereditary; Tumor predisposition; Hereditary Cancer Syndrome; Hereditary neoplastic syndrome. Identifiers: Orphanet 140162, MedGen C0027672, MeSH D009386, MONDO:0015356.
Familial adenomatous polyposis 1 (FAP1). Also called: POLYPOSIS, ADENOMATOUS INTESTINAL; FAMILIAL ADENOMATOUS POLYPOSIS 1, ATTENUATED. Identifiers: MedGen C2713442, MONDO:0021056, OMIM 175100. Disease mechanism: loss of function.

Submissions (4):

Labcorp Genetics (formerly Invitae), Labcorp
Classification: Likely benign for Familial adenomatous polyposis 1. Last evaluated: 2024-09-18. Review status: criteria provided, single submitter. Criteria: Invitae Variant Classification Sherloc (09022015). Collection method: clinical testing. Allele origin: germline.

Myriad Genetics, Inc.
Classification: Benign for Familial adenomatous polyposis 1. Last evaluated: 2024-04-15. Review status: criteria provided, single submitter. Criteria: Myriad Autosomal Dominant, Autosomal Recessive and X-Linked Classification Criteria (2023). Collection method: clinical testing. Allele origin: unknown.
Comment: This variant is considered benign. This variant is a silent/synonymous amino acid change and it is not expected to impact splicing.

All of Us Research Program, National Institutes of Health
Classification: Likely benign for Classic or attenuated familial adenomatous polyposis. Last evaluated: 2023-08-28. Review status: criteria provided, single submitter. Criteria: ACMG Guidelines, 2015. Collection method: clinical testing. Allele origin: germline. Inheritance: Autosomal dominant inheritance. Observed: 1 variant allele, 1 heterozygote.
Comment: This study involves interpretation of variants in research participants for the purpose of population health screening. Participant phenotype was not available at the time of variant classification. Additional details can be found in publication PMID: 35346344, PMCID: PMC8962531

Ambry Genetics
Classification: Likely benign for Hereditary cancer-predisposing syndrome. Last evaluated: 2022-12-20. Review status: criteria provided, single submitter. Criteria: Ambry Variant Classification Scheme 2023. Collection method: clinical testing. Allele origin: germline.

NM_000038.6(APC):c.8301A>C (p.Ser2767=)

Gene: APC (APC regulator of Wnt signaling pathway; plus strand). Cytogenetic location: 5q22.2.
Variant type: single nucleotide variant.
Coding change: c.8301A>C on transcript NM_000038.6 (MANE Select); coding-DNA position 8301, A replaced by C.
Protein change: p.Ser2767=; no amino-acid change (serine 2767 retained).
Molecular consequence: synonymous variant. On other transcripts: non-coding transcript variant (2).
Genome position (GRCh38, 1-based): chr5:112,843,895, A>C. VCF-style: chr5-112843895-A-C. GRCh37 (hg19) VCF-style: chr5-112179592-A-C.
Other names: c.8301A>C, p.Ser2767= (NM_001127510.3, NM_001354895.2, NM_001407450.1); c.8247A>C, p.Ser2749= (NM_001127511.3); c.8355A>C, p.Ser2785= (NM_001354896.2, NM_001407447.1, NM_001407448.1 and 1 more transcripts); c.8331A>C, p.Ser2777= (NM_001354897.2); c.8226A>C, p.Ser2742= (NM_001354898.2); c.8217A>C, p.Ser2739= (NM_001354899.2); c.8178A>C, p.Ser2726= (NM_001354900.2); c.8124A>C, p.Ser2708= (NM_001354901.2, NM_001407453.1); and 11 more.
Identifiers: ClinVar variation 2021193 (VCV002021193.8), dbSNP rs2150002792, ClinGen allele CA446211446.
Genomic context (GRCh38, chr5:112,843,895, plus strand): 5'-TGTATCAGAGACTAATGAAAGTTCTATAGTGGAACGTACCCCATTCAGTTCTAGCAGCTC[A>C]AGCAAACACAGTTCACCTAGTGGGACTGTTGCTGCCAGAGTGACTCCTTTTAATTACAAC-3'
Protein context (NP_000029.2, residues 2757-2777): VERTPFSSSS[Ser2767=]SKHSSPSGTV